The following is an entry in ClinVar:

NM_006206.6(PDGFRA):c.379G>A (p.Ala127Thr)

Gene: PDGFRA (platelet derived growth factor receptor alpha; plus strand). Cytogenetic location: 4q12.
Variant type: single nucleotide variant.
Coding change: c.379G>A on transcript NM_006206.6 (MANE Select); coding-DNA position 379, G replaced by A.
Protein change: p.Ala127Thr; replaces alanine 127 with threonine.
Molecular consequence: missense variant.
Genome position (GRCh38, 1-based): chr4:54,263,678, G>A. VCF-style: chr4-54263678-G-A. GRCh37 (hg19) VCF-style: chr4-55129845-G-A.
Other names: c.379G>A, p.Ala127Thr (NM_001347827.2, NM_001347829.2); c.454G>A, p.Ala152Thr (NM_001347828.2); c.418G>A, p.Ala140Thr (NM_001347830.2); short protein forms A127T, A152T, A140T.
Identifiers: ClinVar variation 3416441 (VCV003416441.1).

ClinVar aggregate classification (germline): Uncertain significance (1 of 4 stars; one submission).

Conditions:
Hereditary cancer-predisposing syndrome. Also called: Neoplastic Syndromes, Hereditary; Tumor predisposition; Hereditary Cancer Syndrome; Hereditary neoplastic syndrome. Identifiers: Orphanet 140162, MedGen C0027672, MeSH D009386, MONDO:0015356.

Submission:

Ambry Genetics
Classification: Uncertain significance for Hereditary cancer-predisposing syndrome. Last evaluated: 2024-11-15. Review status: criteria provided, single submitter. Criteria: Ambry Variant Classification Scheme 2023. Collection method: clinical testing. Allele origin: germline.
Comment: The p.A127T variant (also known as c.379G>A), located in coding exon 3 of the PDGFRA gene, results from a G to A substitution at nucleotide position 379. The alanine at codon 127 is replaced by threonine, an amino acid with similar properties. This amino acid position is conserved. In addition, this alteration is predicted to be tolerated by in silico analysis. Based on the available evidence, the clinical significance of this variant remains unclear.